The following is an entry in ClinVar:

NM_000277.3(PAH):c.671T>C (p.Ile224Thr)

Gene: PAH (phenylalanine hydroxylase; minus strand). Cytogenetic location: 12q23.2.
Variant type: single nucleotide variant.
Coding change: c.671T>C on transcript NM_000277.3 (MANE Select); coding-DNA position 671, T replaced by C.
Protein change: p.Ile224Thr; replaces isoleucine 224 with threonine.
Molecular consequence: missense variant.
Genome position (GRCh38, 1-based): chr12:102,855,171, A>G on the plus strand (T>C on the coding strand, the complement: PAH is on the minus strand). VCF-style: chr12-102855171-A-G. GRCh37 (hg19) VCF-style: chr12-103248949-A-G.
Other names: c.671T>C, p.Ile224Thr (NM_001354304.2); short protein forms I224T.
Identifiers: ClinVar variation 102777 (VCV000102777.9), dbSNP rs62507323, ClinGen allele CA229682.
Genomic context (GRCh38, chr12:102,855,171, plus strand): 5'-GCCATTGACCCTGATGTGGACTTACTCTGCAGGAACTGAGAAACGTCTTCCAGCTGGGGA[A>G]TGTTATCTTCATGGAAGCCACAGTACTTTTCAAGAAGTGGAAAAATGTGATTGTACTCAT-3'
Protein context (NP_000268.1, residues 214-234): EKYCGFHEDN[Ile224Thr]PQLEDVSQFL

ClinVar aggregate classification (germline): Pathogenic/Likely pathogenic. Review status: criteria provided, multiple submitters, no conflicts (2 of 4 stars). 6 submissions from 6 submitters: Pathogenic (4); Likely pathogenic (1). 1 of the submissions does not count toward it. Last evaluated 2024-03-17.

Conditions:
Phenylketonuria (PKU). Also called: Phenylketonuria (PKU); FOLLING DISEASE; OLIGOPHRENIA PHENYLPYRUVICA; Phenylketonurias. Identifiers: Orphanet 716, MedGen C0031485, MONDO:0009861, OMIM 261600. Disease mechanism: loss of function.

Allele frequency attached by ClinVar (database versions not stated): gnomAD exomes below 0.00001.
gnomAD v4.1: 1 of 1,614,172 alleles (0.000062%); highest among the groups gnomAD compares: Middle Eastern, 0.017%; no homozygotes.

Submissions (6):

Genomic Medicine Center of Excellence, King Faisal Specialist Hospital and Research Centre
Classification: Pathogenic for Phenylketonuria. Last evaluated: 2024-03-17. Review status: criteria provided, single submitter. Criteria: ACMG Guidelines, 2015. Collection method: research. Allele origin: germline.

Baylor Genetics
Classification: Pathogenic for Phenylketonuria. Last evaluated: 2023-08-29. Review status: criteria provided, single submitter. Criteria: ACMG Guidelines, 2015. Collection method: clinical testing. Allele origin: unknown.

Women's Health and Genetics/Laboratory Corporation of America, LabCorp
Classification: Pathogenic for Phenylketonuria. Last evaluated: 2023-07-28. Review status: criteria provided, single submitter. Criteria: LabCorp Variant Classification Summary - May 2015. Collection method: clinical testing. Allele origin: germline.
Comment: Variant summary: PAH c.671T>C (p.Ile224Thr) results in a non-conservative amino acid change located in the aromatic amino acid hydroxylase, C-terminal domain (IPR019774) of the encoded protein sequence. Five of five in-silico tools predict a damaging effect of the variant on protein function. The variant was absent in 251334 control chromosomes (gnomAD). c.671T>C has been reported in the literature as a biallelic genotype in multiple individuals affected with Hyperphenylalaninemia/Phenylalanine Hydroxylase Deficiency (Phenylketonuria) (e.g. Hashem_1996, Shirzadeh_2018, Li_2018). These data indicate that the variant is very likely to be associated with disease. The following publications have been ascertained in the context of this evaluation (PMID: 8682503, 30050108, 30159852). One submitter has provided a clinical-significance assessment for this variant to ClinVar after 2014 and has classified the variant as pathogenic. Based on the evidence outlined above, the variant was classified as pathogenic.

Revvity Omics, Revvity
Classification: Pathogenic for Phenylketonuria. Last evaluated: 2022-12-12. Review status: criteria provided, single submitter. Criteria: ACMG Guidelines, 2015. Collection method: clinical testing. Allele origin: germline.

Pathology and Clinical Laboratory Medicine, King Fahad Medical City
Classification: Likely pathogenic for Phenylketonuria. Review status: criteria provided, single submitter. Criteria: ACMG Guidelines, 2015. Collection method: clinical testing. Allele origin: germline. Affected: yes. Observed: 1 variant allele.

DeBelle Laboratory for Biochemical Genetics, MUHC/MCH RESEARCH INSTITUTE
No classification provided. Review status: no classification provided. Collection method: not provided. Allele origin: not provided. Not counted in ClinVar's aggregate classification.

Literature cited by the submitters: PubMed 30050108 (cited by Women's Health and Genetics/Laboratory Corporation of America, LabCorp); PubMed 30159852 (cited by Women's Health and Genetics/Laboratory Corporation of America, LabCorp); PubMed 8682503 (cited by Women's Health and Genetics/Laboratory Corporation of America, LabCorp).